The following is an entry in ClinVar:

NM_004727.3(SLC24A1):c.1756A>C (p.Ser586Arg)

Gene: SLC24A1 (solute carrier family 24 member 1; plus strand). Cytogenetic location: 15q22.31.
Variant type: single nucleotide variant.
Coding change: c.1756A>C on transcript NM_004727.3 (MANE Select); coding-DNA position 1756, A replaced by C.
Protein change: p.Ser586Arg; replaces serine 586 with arginine.
Molecular consequence: missense variant.
Genome position (GRCh38, 1-based): chr15:65,625,836, A>C. VCF-style: chr15-65625836-A-C. GRCh37 (hg19) VCF-style: chr15-65918174-A-C.
Other names: c.1756A>C, p.Ser586Arg (NM_001301031.1, NM_001301032.1, NM_001301033.2); short protein forms S586R.
Identifiers: ClinVar variation 936272 (VCV000936272.8), dbSNP rs2074494354, ClinGen allele CA392918529.

ClinVar aggregate classification (germline): Uncertain significance (1 of 4 stars; one submission).

Submission:

Labcorp Genetics (formerly Invitae), Labcorp
Classification: Uncertain significance. Last evaluated: 2019-09-23. Review status: criteria provided, single submitter. Criteria: Invitae Variant Classification Sherloc (09022015). Collection method: clinical testing. Allele origin: germline.
Comment: In summary, the available evidence is currently insufficient to determine the role of this variant in disease. Therefore, it has been classified as a Variant of Uncertain Significance. Algorithms developed to predict the effect of missense changes on protein structure and function are either unavailable or do not agree on the potential impact of this missense change (SIFT: "Deleterious"; PolyPhen-2: "Probably Damaging"; Align-GVGD: "Class C15"). This variant has not been reported in the literature in individuals with SLC24A1-related conditions. This variant is not present in population databases (ExAC no frequency). This sequence change replaces serine with arginine at codon 586 of the SLC24A1 protein (p.Ser586Arg). The serine residue is highly conserved and there is a moderate physicochemical difference between serine and arginine.